The following is an entry in ClinVar:

NM_000303.3(PMM2):c.634A>G (p.Met212Val)

Gene: PMM2 (phosphomannomutase 2; plus strand). Cytogenetic location: 16p13.2.
Variant type: single nucleotide variant.
Coding change: c.634A>G on transcript NM_000303.3 (MANE Select); coding-DNA position 634, A replaced by G.
Protein change: p.Met212Val; replaces methionine 212 with valine.
Molecular consequence: missense variant.
Genome position (GRCh38, 1-based): chr16:8,813,101, A>G. VCF-style: chr16-8813101-A-G. GRCh37 (hg19) VCF-style: chr16-8906958-A-G.
Other names: short protein forms M212V.
Identifiers: ClinVar variation 632946 (VCV000632946.28), dbSNP rs3743808, ClinGen allele CA7894152.
Genomic context (GRCh38, chr16:8,813,101, plus strand): 5'-TGTCTGCGACATGTGGAAAATGACGGTTATAAGACCATTTATTTCTTTGGAGACAAAACT[A>G]TGCCAGTAAGTAGAGAAGTGTTTGTGCACCTTCATTGTTGCATTTGCGCTTGATGGGGGA-3'
Protein context (NP_000294.1, residues 202-222): KTIYFFGDKT[Met212Val]PGGNDHEIFT

ClinVar aggregate classification (germline): Conflicting classifications of pathogenicity. Review status: criteria provided, conflicting classifications (1 of 4 stars). 6 submissions from 6 submitters: Uncertain significance (2); Benign (1); Likely benign (2). 1 of the submissions does not count toward it. Last evaluated 2026-01-28.

Conditions:
PMM2-congenital disorder of glycosylation. Also called: PHOSPHOMANNOMUTASE 2 DEFICIENCY; CARBOHYDRATE-DEFICIENT GLYCOPROTEIN SYNDROME, TYPE Ia; PMM2-CDG; Congenital disorder of glycosylation, type Ia; CDG Ia; JAEKEN SYNDROME. Identifiers: Orphanet 79318, MedGen C0349653, MONDO:0008907, OMIM 212065.

Allele frequency attached by ClinVar (database versions not stated): ESP Exome Variant Server 0.00008; gnomAD 0.00014 and 0.00032; TOPMed 0.00024; gnomAD exomes 0.00050 and 0.00068; 1000 Genomes Project 0.00240; ExAC 0.00063; 1000 Genomes Project 30x 0.00203.
gnomAD v4.1: 745 of 1,576,140 alleles (0.047%); highest among the groups gnomAD compares: East Asian, 1.5%; 4 homozygotes.

Submissions (6):

Labcorp Genetics (formerly Invitae), Labcorp
Classification: Likely benign for PMM2-congenital disorder of glycosylation. Last evaluated: 2026-01-28. Review status: criteria provided, single submitter. Criteria: Invitae Variant Classification Sherloc (09022015). Collection method: clinical testing. Allele origin: germline.

Revvity Omics, Revvity
Classification: Uncertain significance for PMM2-congenital disorder of glycosylation. Last evaluated: 2021-12-02. Review status: criteria provided, single submitter. Criteria: ACMG Guidelines, 2015. Collection method: clinical testing. Allele origin: germline.

Women's Health and Genetics/Laboratory Corporation of America, LabCorp
Classification: Benign. Last evaluated: 2021-08-24. Review status: criteria provided, single submitter. Criteria: LabCorp Variant Classification Summary - May 2015. Collection method: clinical testing. Allele origin: germline.
Comment: Variant summary: PMM2 c.634A>G (p.Met212Val) results in a conservative amino acid change in the encoded protein sequence. Three of five in-silico tools predict a benign effect of the variant on protein function. The variant allele was found at a frequency of 0.00052 in 396268 control chromosomes, predominantly at a frequency of 0.0086 within the East Asian subpopulation in the gnomAD database (v2.1 and v3.1 datasets), including 1 homozygote. The observed variant frequency within East Asian control individuals in the gnomAD database is approximately 1.54 fold of the estimated maximal expected allele frequency for a pathogenic variant in PMM2 causing Congenital Disorder of Glycosylation Type 1a phenotype (0.0056). However, the variant was reported in some East Asian subpopulations with an even higher allele frequency, e.g. in the Japanese, with an allele frequency of 0.026 (in the jMorp database). This frequency is about 4.6-fold higher than the maximum expected for a pathogenic variant, strongly suggesting that the variant is a benign polymorphism found primarily in populations of East Asian origin. To our knowledge, no experimental evidence demonstrating an impact on protein function has been reported. Two clinical diagnostic laboratories have submitted clinical-significance assessments for this variant to ClinVar after 2014 without evidence for independent evaluation. One laboratory classified the variant as likely benign, while the other laboratory classified the variant as uncertain significance. Based on the evidence outlined above, the variant was classified as benign.

Genetic Services Laboratory, University of Chicago
Classification: Likely benign. Last evaluated: 2018-12-31. Review status: criteria provided, single submitter. Criteria: ACMG Guidelines, 2015. Collection method: clinical testing. Allele origin: germline. Affected: no.

Illumina Laboratory Services, Illumina
Classification: Uncertain significance for PMM2-congenital disorder of glycosylation. Last evaluated: 2017-04-27. Review status: criteria provided, single submitter. Criteria: ICSL Variant Classification Criteria 13 December 2019. Collection method: clinical testing. Allele origin: germline.
Comment: This variant was observed as part of a predisposition screen in an ostensibly healthy population. A literature search was performed for the gene, cDNA change, and amino acid change (where applicable). Publications were found based on this search. However, the evidence from the literature, in combination with allele frequency data from public databases where available, was not sufficient to rule this variant in or out of causing disease. Therefore, this variant is classified as a variant of unknown significance.

Natera, Inc.
Classification: Likely benign for Congenital disorder of glycosylation type 1a. Last evaluated: 2020-01-16. Review status: no assertion criteria provided. Collection method: clinical testing. Allele origin: germline. Not counted in ClinVar's aggregate classification.

Literature cited by the submitters: PubMed 26887550 (cited by Women's Health and Genetics/Laboratory Corporation of America, LabCorp and Illumina Laboratory Services, Illumina).